The following is an entry in ClinVar:

NM_000071.3(CBS):c.147G>A (p.Pro49=)

Gene: CBS (cystathionine beta-synthase; minus strand). Cytogenetic location: 21q22.3.
Variant type: single nucleotide variant.
Coding change: c.147G>A on transcript NM_000071.3 (MANE Select); coding-DNA position 147, G replaced by A.
Protein change: p.Pro49=; no amino-acid change (proline 49 retained).
Molecular consequence: synonymous variant.
Genome position (GRCh38, 1-based): chr21:43,072,047, C>T on the plus strand (G>A on the coding strand, the complement: CBS is on the minus strand). VCF-style: chr21-43072047-C-T. GRCh37 (hg19) VCF-style: chr21-44492157-C-T.
Other names: c.147G>A, p.Pro49= (NM_001178008.3, NM_001178009.3, NM_001320298.2).
Identifiers: ClinVar variation 236936 (VCV000236936.24), dbSNP rs771719483, ClinGen allele CA10583891.
Genomic context (GRCh38, chr21:43,072,047, plus strand): 5'-GGCAGTGTGGTGATGTGGGGACTCGGAGGCAGGCCGGCCCAGCTGCCAGGTGCACCTGCT[C>T]GGAGCATCGGGCCGGATCCACAGGGGCTCCTTGGCTTCCTTATCCTCTGGGGACCCCTTC-3'
Protein context (NP_000062.1, residues 39-59): KEPLWIRPDA[Pro49=]SRCTWQLGRP

ClinVar aggregate classification (germline): Likely benign. Review status: criteria provided, multiple submitters, no conflicts (2 of 4 stars). 5 submissions from 5 submitters: Likely benign (5). Last evaluated 2026-08-01.

Conditions:
Familial thoracic aortic aneurysm and aortic dissection (TAAD). Also called: Thoracic aortic aneurysms and dissections. Identifiers: Orphanet 91387, MedGen C4707243, MONDO:0019625.
HYPERHOMOCYSTEINEMIA, THROMBOTIC, CBS-RELATED. Identifiers: MedGen C3150344, OMIM 236200.

Allele frequency attached by ClinVar (database versions not stated): gnomAD 0.00003; gnomAD exomes 0.00009; ExAC 0.00012.

Submissions (5):

CeGaT Center for Human Genetics Tuebingen
Classification: Likely benign. Last evaluated: 2026-08-01. Review status: criteria provided, single submitter. Criteria: CeGaT Center For Human Genetics Tuebingen Variant Classification Criteria Version 2. Collection method: clinical testing. Allele origin: germline. Affected: yes. Observed: 2 variant alleles.
Comment: CBS: PM2:Supporting, BP4, BP7

Labcorp Genetics (formerly Invitae), Labcorp
Classification: Likely benign for HYPERHOMOCYSTEINEMIA, THROMBOTIC, CBS-RELATED. Last evaluated: 2025-12-29. Review status: criteria provided, single submitter. Criteria: Invitae Variant Classification Sherloc (09022015). Collection method: clinical testing. Allele origin: germline.

Women's Health and Genetics/Laboratory Corporation of America, LabCorp
Classification: Likely benign. Last evaluated: 2024-01-15. Review status: criteria provided, single submitter. Criteria: LabCorp Variant Classification Summary - May 2015. Collection method: clinical testing. Allele origin: germline.

Ambry Genetics
Classification: Likely benign for Familial thoracic aortic aneurysm and aortic dissection. Last evaluated: 2019-09-05. Review status: criteria provided, single submitter. Criteria: Ambry Variant Classification Scheme 2023. Collection method: clinical testing. Allele origin: germline.

GeneDx
Classification: Likely benign. Last evaluated: 2018-01-11. Review status: criteria provided, single submitter. Criteria: GeneDx Variant Classification (06012015). Collection method: clinical testing. Allele origin: germline. Affected: yes.
Comment: This variant is considered likely benign or benign based on one or more of the following criteria: it is a conservative change, it occurs at a poorly conserved position in the protein, it is predicted to be benign by multiple in silico algorithms, and/or has population frequency not consistent with disease.